The following is an entry in ClinVar:

ClinVar aggregate classification (germline): Conflicting classifications of pathogenicity. Review status: criteria provided, conflicting classifications (1 of 4 stars). 2 submissions from 2 submitters: Uncertain significance (1); Likely benign (1). Last evaluated 2026-08-21.

Conditions:
Inborn genetic diseases. Identifiers: MedGen C0950123, MeSH D030342.

Submissions (2):

Ambry Genetics
Classification: Likely benign for Inborn genetic diseases. Last evaluated: 2026-08-21. Review status: criteria provided, single submitter. Criteria: Ambry Variant Classification Scheme 2023. Collection method: clinical testing. Allele origin: germline.

GeneDx
Classification: Uncertain significance. Last evaluated: 2023-04-18. Review status: criteria provided, single submitter. Criteria: GeneDx Variant Classification Process June 2021. Collection method: clinical testing. Allele origin: germline. Affected: yes.
Comment: Not observed at significant frequency in large population cohorts (gnomAD); In silico analysis supports that this missense variant does not alter protein structure/function; Has not been previously published as pathogenic or benign to our knowledge

NM_004667.6(HERC2):c.13766A>G (p.Asn4589Ser)

Gene: HERC2 (HECT and RLD domain containing E3 ubiquitin protein ligase 2; minus strand). Cytogenetic location: 15q13.1.
Variant type: single nucleotide variant.
Coding change: c.13766A>G on transcript NM_004667.6 (MANE Select); coding-DNA position 13766, A replaced by G.
Protein change: p.Asn4589Ser; replaces asparagine 4589 with serine.
Molecular consequence: missense variant.
Genome position (GRCh38, 1-based): chr15:28,114,759, T>C on the plus strand (A>G on the coding strand, the complement: HERC2 is on the minus strand). VCF-style: chr15-28114759-T-C. GRCh37 (hg19) VCF-style: chr15-28359905-T-C.
Other names: c.13766A>G (NM_004667.4); short protein forms N4589S.
Identifiers: ClinVar variation 2662158 (VCV002662158.2), dbSNP rs1888032189, ClinGen allele CA391369723.